The following is an entry in ClinVar:

NM_015164.4(PLEKHM2):c.1325C>G (p.Pro442Arg)

Gene: PLEKHM2 (pleckstrin homology and RUN domain containing M2; plus strand). Cytogenetic location: 1p36.21.
Variant type: single nucleotide variant.
Coding change: c.1325C>G on transcript NM_015164.4 (MANE Select); coding-DNA position 1325, C replaced by G.
Protein change: p.Pro442Arg; replaces proline 442 with arginine.
Molecular consequence: missense variant.
Genome position (GRCh38, 1-based): chr1:15,727,397, C>G. VCF-style: chr1-15727397-C-G. GRCh37 (hg19) VCF-style: chr1-16053892-C-G.
Other names: short protein forms P442R.
Identifiers: ClinVar variation 840228 (VCV000840228.10), dbSNP rs762656151, ClinGen allele CA616917.

ClinVar aggregate classification (germline): Uncertain significance. Review status: criteria provided, multiple submitters, no conflicts (2 of 4 stars). 2 submissions from 2 submitters: Uncertain significance (2). Last evaluated 2025-01-23.

Allele frequency attached by ClinVar (database versions not stated): gnomAD 0.00001; gnomAD exomes 0.00002; TOPMed 0.00002; ExAC 0.00007.
gnomAD v4.1: 24 of 1,603,742 alleles (0.0015%); highest among the groups gnomAD compares: Non-Finnish European, 0.002%; no homozygotes.

Submissions (2):

Ambry Genetics
Classification: Uncertain significance. Last evaluated: 2025-01-23. Review status: criteria provided, single submitter. Criteria: Ambry Variant Classification Scheme 2023. Collection method: clinical testing. Allele origin: germline.

Labcorp Genetics (formerly Invitae), Labcorp
Classification: Uncertain significance. Last evaluated: 2022-12-14. Review status: criteria provided, single submitter. Criteria: Invitae Variant Classification Sherloc (09022015). Collection method: clinical testing. Allele origin: germline.
Comment: This variant has not been reported in the literature in individuals affected with PLEKHM2-related conditions. This variant is present in population databases (rs762656151, gnomAD 0.004%). This sequence change replaces proline, which is neutral and non-polar, with arginine, which is basic and polar, at codon 442 of the PLEKHM2 protein (p.Pro442Arg). ClinVar contains an entry for this variant (Variation ID: 840228). In summary, the available evidence is currently insufficient to determine the role of this variant in disease. Therefore, it has been classified as a Variant of Uncertain Significance. Algorithms developed to predict the effect of missense changes on protein structure and function are either unavailable or do not agree on the potential impact of this missense change (SIFT: "Deleterious"; PolyPhen-2: "Possibly Damaging"; Align-GVGD: "Class C0").